The following is an entry in ClinVar:

ClinVar aggregate classification (germline): Uncertain significance (1 of 4 stars; one submission).

Conditions:
TPRN-related disorder. Also called: TPRN-related condition.

gnomAD v4.1: 38 of 1,612,986 alleles (0.0024%); highest among the groups gnomAD compares: East Asian, 0.078%; no homozygotes.

Submission:

PreventionGenetics, part of Exact Sciences
Classification: Uncertain significance for TPRN-related condition. Last evaluated: 2026-05-04. Review status: criteria provided, single submitter. Criteria: ACMG Guidelines, 2015. Collection method: clinical testing. Allele origin: germline.
Comment: The TPRN c.1973C>T variant is predicted to result in the amino acid substitution p.Ser658Phe. To our knowledge, this variant has not been reported in the literature. This variant is reported in 0.033% of alleles in individuals of East Asian descent in gnomAD. At this time, the clinical significance of this variant is uncertain due to the absence of conclusive functional and genetic evidence.

NM_001128228.3(TPRN):c.1973C>T (p.Ser658Phe)

Gene: TPRN (taperin; minus strand). Cytogenetic location: 9q34.3.
Variant type: single nucleotide variant.
Coding change: c.1973C>T on transcript NM_001128228.3 (MANE Select); coding-DNA position 1973, C replaced by T.
Protein change: p.Ser658Phe; replaces serine 658 with phenylalanine.
Molecular consequence: missense variant.
Genome position (GRCh38, 1-based): chr9:137,192,359, G>A on the plus strand (C>T on the coding strand, the complement: TPRN is on the minus strand). VCF-style: chr9-137192359-G-A. GRCh37 (hg19) VCF-style: chr9-140086811-G-A.
Other names: short protein forms S658F.
Identifiers: ClinVar variation 4988066 (VCV004988066.1).